The following is an entry in ClinVar:

ClinVar aggregate classification (germline): Pathogenic/Likely pathogenic. Review status: criteria provided, multiple submitters, no conflicts (2 of 4 stars). 2 submissions from 2 submitters: Pathogenic (1); Likely pathogenic (1). Last evaluated 2025-05-20.

Conditions:
Hereditary cancer-predisposing syndrome. Also called: Neoplastic Syndromes, Hereditary; Tumor predisposition; Hereditary Cancer Syndrome; Hereditary neoplastic syndrome. Identifiers: Orphanet 140162, MedGen C0027672, MeSH D009386, MONDO:0015356.

Submissions (2):

Ambry Genetics
Classification: Pathogenic for Hereditary cancer-predisposing syndrome. Last evaluated: 2025-05-20. Review status: criteria provided, single submitter. Criteria: Ambry Variant Classification Scheme 2023. Collection method: clinical testing. Allele origin: germline.
Comment: The c.1054delC pathogenic mutation, located in coding exon 8 of the SDHA gene, results from a deletion of one nucleotide at nucleotide position 1054, causing a translational frameshift with a predicted alternate stop codon (p.R352Efs*37). This variant is considered to be rare based on population cohorts in the Genome Aggregation Database (gnomAD). This alteration is expected to result in loss of function by premature protein truncation or nonsense-mediated mRNA decay. As such, this alteration is interpreted as a disease-causing mutation.

GeneDx
Classification: Likely pathogenic. Last evaluated: 2023-03-24. Review status: criteria provided, single submitter. Criteria: GeneDx Variant Classification Process June 2021. Collection method: clinical testing. Allele origin: germline. Affected: yes.
Comment: Has not been previously published as pathogenic or benign to our knowledge; Frameshift variant predicted to result in protein truncation or nonsense mediated decay in a gene for which loss of function is a known mechanism of disease; Not observed at significant frequency in large population cohorts (gnomAD)

NM_004168.4(SDHA):c.1054del (p.Arg352fs)

Gene: SDHA (succinate dehydrogenase complex flavoprotein subunit A; plus strand). Cytogenetic location: 5p15.33.
Variant type: Deletion.
Coding change: c.1054del on transcript NM_004168.4 (MANE Select); coding-DNA position 1054, one base deleted (C; older notation c.1054delC).
Protein change: p.Arg352fs; shifts the reading frame from arginine 352.
Molecular consequence: frameshift variant.
Genome position (GRCh38, 1-based): chr5:233,635, C deleted; the last of 2 consecutive C bases (chr5:233,634-233,635); deleting either gives the same sequence. VCF-style (leftmost placement, unchanged base first): chr5-233633-TC-T. GRCh37 (hg19) VCF-style: chr5-233748-TC-T.
Other names: c.1054delC (NM_004168.2); c.910del, p.Arg304fs (NM_001294332.2); c.1054del, p.Arg352fs (NM_001330758.2); c.1054del (NM_004168.2); short protein forms R304fs, R352fs.
Identifiers: ClinVar variation 1778129 (VCV001778129.4), dbSNP rs2477350916, ClinGen allele CA2580073112.